The following is an entry in ClinVar:

NM_080680.3(COL11A2):c.2906C>G (p.Pro969Arg)

Gene: COL11A2 (collagen type XI alpha 2 chain; minus strand). Cytogenetic location: 6p21.32.
Variant type: single nucleotide variant.
Coding change: c.2906C>G on transcript NM_080680.3 (MANE Select); coding-DNA position 2906, C replaced by G.
Protein change: p.Pro969Arg; replaces proline 969 with arginine.
Molecular consequence: missense variant.
Genome position (GRCh38, 1-based): chr6:33,172,371, G>C on the plus strand (C>G on the coding strand, the complement: COL11A2 is on the minus strand). VCF-style: chr6-33172371-G-C. GRCh37 (hg19) VCF-style: chr6-33140148-G-C.
Other names: c.860C>G, p.Pro287Arg (NM_001424112.1); c.2585C>G, p.Pro862Arg (NM_080679.3); c.2648C>G, p.Pro883Arg (NM_080681.3); c.1880C>G, p.Pro627Arg (NM_001424110.1, NM_001424111.1); c.2726C>G, p.Pro909Arg (NM_001424108.1); c.2060C>G, p.Pro687Arg (NM_001424109.1); short protein forms P287R, P687R, P862R, P909R, P627R, P883R, P969R.
Identifiers: ClinVar variation 3635250 (VCV003635250.2).

ClinVar aggregate classification (germline): Uncertain significance (1 of 4 stars; one submission).

Submission:

Labcorp Genetics (formerly Invitae), Labcorp
Classification: Uncertain significance. Last evaluated: 2025-04-29. Review status: criteria provided, single submitter. Criteria: Invitae Variant Classification Sherloc (09022015). Collection method: clinical testing. Allele origin: germline.
Comment: This sequence change replaces proline, which is neutral and non-polar, with arginine, which is basic and polar, at codon 969 of the COL11A2 protein (p.Pro969Arg). This variant is not present in population databases (gnomAD no frequency). This variant has not been reported in the literature in individuals affected with COL11A2-related conditions. ClinVar contains an entry for this variant (Variation ID: 3635250). Invitae Evidence Modeling of protein sequence and biophysical properties (such as structural, functional, and spatial information, amino acid conservation, physicochemical variation, residue mobility, and thermodynamic stability) indicates that this missense variant is not expected to disrupt COL11A2 protein function with a negative predictive value of 95%. In summary, the available evidence is currently insufficient to determine the role of this variant in disease. Therefore, it has been classified as a Variant of Uncertain Significance.